The following is an entry in ClinVar:

ClinVar aggregate classification (germline): Uncertain significance (1 of 4 stars; one submission).

Conditions:
Familial thoracic aortic aneurysm and aortic dissection (TAAD). Also called: Thoracic aortic aneurysms and dissections. Identifiers: Orphanet 91387, MedGen C4707243, MONDO:0019625.

Submission:

Ambry Genetics
Classification: Uncertain significance for Familial thoracic aortic aneurysm and aortic dissection. Last evaluated: 2023-02-28. Review status: criteria provided, single submitter. Criteria: Ambry Variant Classification Scheme 2023. Collection method: clinical testing. Allele origin: germline.
Comment: The p.V856F variant (also known as c.2566G>T), located in coding exon 16 of the NOTCH1 gene, results from a G to T substitution at nucleotide position 2566. The valine at codon 856 is replaced by phenylalanine, an amino acid with highly similar properties. This amino acid position is conserved. In addition, this alteration is predicted to be tolerated by in silico analysis. Since supporting evidence is limited at this time, the clinical significance of this alteration remains unclear.

NM_017617.5(NOTCH1):c.2566G>T (p.Val856Phe)

Gene: NOTCH1 (notch receptor 1; minus strand). Cytogenetic location: 9q34.3.
Variant type: single nucleotide variant.
Coding change: c.2566G>T on transcript NM_017617.5 (MANE Select); coding-DNA position 2566, G replaced by T.
Protein change: p.Val856Phe; replaces valine 856 with phenylalanine.
Molecular consequence: missense variant.
Genome position (GRCh38, 1-based): chr9:136,511,173, C>A on the plus strand (G>T on the coding strand, the complement: NOTCH1 is on the minus strand). VCF-style: chr9-136511173-C-A. GRCh37 (hg19) VCF-style: chr9-139405625-C-A.
Other names: short protein forms V856F.
Identifiers: ClinVar variation 2452197 (VCV002452197.2), dbSNP rs2133354494, ClinGen allele CA375555222.